The following is an entry in ClinVar:

NM_000384.3(APOB):c.8705G>A (p.Ser2902Asn)

Gene: APOB (apolipoprotein B; minus strand). Cytogenetic location: 2p24.1.
Variant type: single nucleotide variant.
Coding change: c.8705G>A on transcript NM_000384.3 (MANE Select); coding-DNA position 8705, G replaced by A.
Protein change: p.Ser2902Asn; replaces serine 2902 with asparagine.
Molecular consequence: missense variant.
Genome position (GRCh38, 1-based): chr2:21,008,163, C>T on the plus strand (G>A on the coding strand, the complement: APOB is on the minus strand). VCF-style: chr2-21008163-C-T. GRCh37 (hg19) VCF-style: chr2-21231035-C-T.
Other names: short protein forms S2902N.
Identifiers: ClinVar variation 936850 (VCV000936850.12), dbSNP rs1663202818, ClinGen allele CA345993542.
Genomic context (GRCh38, chr2:21,008,163, plus strand): 5'-GTCCATGCTATGTGGCCAGCTTTCAACAGTGTCTTGATCTCGTTGCGCAGGTCAGCCTGA[C>T]TAGAGAAGTCCAGTTTGGGGATGTTCAATTTGTGGAAGTATTTAGTGTTGCTATCCAGGG-3'
Protein context (NP_000375.3, residues 2892-2912): KLNIPKLDFS[Ser2902Asn]QADLRNEIKT

ClinVar aggregate classification (germline): Uncertain significance (1 of 4 stars; one submission).

Conditions:
Familial hypobetalipoproteinemia 1. Also called: Hypobetalipoproteinemia, normotriglyceridemic; Acanthocytosis with hypobetalipoproteinemia; APOB-Related Familial Hypobetalipoproteinemia. Identifiers: MedGen C4551990, MONDO:0014252, OMIM 615558.
Hypercholesterolemia, autosomal dominant, type B (FHCL2). Also called: Familial Hypercholesterolemia Type B; HYPERCHOLESTEROLEMIA, FAMILIAL, DUE TO LIGAND-DEFECTIVE APOLIPOPROTEIN B; Familial hypercholesterolemia 2; APOB-Related Familial Hypercholesterolemia, Autosomal Dominant; APOLIPOPROTEIN B-100, FAMILIAL DEFECTIVE; APOLIPOPROTEIN B-100, FAMILIAL LIGAND-DEFECTIVE. Identifiers: MedGen C1704417, MONDO:0007751, OMIM 144010.

Allele frequency attached by ClinVar (database versions not stated): gnomAD exomes 0.00001.
gnomAD v4.1: 3 of 1,614,008 alleles (0.00019%); highest among the groups gnomAD compares: Non-Finnish European, 0.00025%; no homozygotes.

Submission:

Labcorp Genetics (formerly Invitae), Labcorp
Classification: Uncertain significance for Familial hypobetalipoproteinemia 1; Hypercholesterolemia, autosomal dominant, type B. Last evaluated: 2019-10-10. Review status: criteria provided, single submitter. Criteria: Invitae Variant Classification Sherloc (09022015). Collection method: clinical testing. Allele origin: germline.
Comment: In summary, the available evidence is currently insufficient to determine the role of this variant in disease. Therefore, it has been classified as a Variant of Uncertain Significance. Algorithms developed to predict the effect of missense changes on protein structure and function are either unavailable or do not agree on the potential impact of this missense change (SIFT: "Deleterious"; PolyPhen-2: "Probably Damaging"; Align-GVGD: "Class C0"). This sequence change replaces serine with asparagine at codon 2902 of the APOB protein (p.Ser2902Asn). The serine residue is moderately conserved and there is a small physicochemical difference between serine and asparagine. This variant is not present in population databases (ExAC no frequency).